The following is an entry in ClinVar:

ClinVar aggregate classification (germline): Uncertain significance (1 of 4 stars; one submission).

Allele frequency attached by ClinVar (database versions not stated): TOPMed below 0.00001.

Submission:

Ambry Genetics
Classification: Uncertain significance. Last evaluated: 2022-01-30. Review status: criteria provided, single submitter. Criteria: Ambry Variant Classification Scheme 2023. Collection method: clinical testing. Allele origin: germline.
Comment: The p.S1489G variant (also known as c.4465A>G), located in coding exon 40 of the KIF1B gene, results from an A to G substitution at nucleotide position 4465. The serine at codon 1489 is replaced by glycine, an amino acid with similar properties. This amino acid position is conserved. In addition, the in silico prediction for this alteration is inconclusive. Since supporting evidence is limited at this time, the clinical significance of this alteration remains unclear.

NM_001365951.3(KIF1B):c.4603A>G (p.Ser1535Gly)

Gene: KIF1B (kinesin family member 1B; plus strand). Cytogenetic location: 1p36.22.
Variant type: single nucleotide variant.
Coding change: c.4603A>G on transcript NM_001365951.3 (MANE Select); coding-DNA position 4603, A replaced by G.
Protein change: p.Ser1535Gly; replaces serine 1535 with glycine.
Molecular consequence: missense variant.
Genome position (GRCh38, 1-based): chr1:10,365,499, A>G. VCF-style: chr1-10365499-A-G. GRCh37 (hg19) VCF-style: chr1-10425557-A-G.
Other names: c.4603A>G, p.Ser1535Gly (NM_001365952.1); c.4465A>G, p.Ser1489Gly (NM_015074.3); short protein forms S1535G, S1489G.
Identifiers: ClinVar variation 1740789 (VCV001740789.2), dbSNP rs1638545486, ClinGen allele CA338322020.